The following continues an entry in ClinVar:

NM_000138.5(FBN1):c.1879C>T (p.Arg627Cys)

Gene: FBN1. ClinVar aggregate classification (germline): Pathogenic. Pathogenic (16).

Submissions 10 to 17 of 17:

Color Diagnostics, LLC DBA Color Health
Classification: Pathogenic for Familial thoracic aortic aneurysm and aortic dissection. Last evaluated: 2021-04-06. Review status: criteria provided, single submitter. Criteria: ACMG Guidelines, 2015. Collection method: clinical testing. Allele origin: germline.
Comment: This missense variant replaces arginine with cysteine at codon 627 of the FBN1 protein. This variant creates a cysteine residue in a functionally important calcium-binding EGF-like motif and is expected to disrupt normal disulfide bridge formation and affect protein stability. Computational prediction is inconclusive regarding the impact of this variant on protein structure and function (internally defined REVEL score threshold 0.5 < inconclusive < 0.7, PMID: 27666373). Functional studies have shown this variant to increase susceptibility to proteolytic degradation (PMID: 15161917, 21784848). This variant has been reported in individuals affected with Marfan syndrome (PMID: 8004112, 16220557, 17503327, 23684891, 31055806, 32431097), suspected Marfan syndrome (PMID: 17679947), ectopia lentis (PMID: 12161601, 33576469), and thoracic aortic aneurysm and dissection (PMID: 17418587, 25644172). This variant has been shown to segregate with disease in four unrelated families (PMID: 17503327, 8004112, 16220557, 32431097). This variant has not been identified in the general population by the Genome Aggregation Database (gnomAD). Based on the available evidence, this variant is classified as Pathogenic.

CHEO Genetics Diagnostic Laboratory, Children's Hospital of Eastern Ontario
Classification: Pathogenic for Familial thoracic aortic aneurysm and aortic dissection. Last evaluated: 2019-12-23. Review status: criteria provided, single submitter. Criteria: ACMG Guidelines, 2015. Collection method: clinical testing. Allele origin: germline.

Petrovsky National Research Centre of Surgery, The Federal Agency for Scientific Organizations
Classification: Pathogenic for Marfan syndrome. Last evaluated: 2019-08-19. Review status: criteria provided, single submitter. Criteria: ACMG Guidelines, 2015. Collection method: curation. Allele origin: unknown. Inheritance: Autosomal dominant inheritance. Affected: yes. Observed: 1 heterozygote.
Comment: The p.Arg627Cys is a well known missense variant reported in various individuals (PMID: 8004112, 16220557, 23684891, 12161601, 17418587, 17679947, 25644172, 20591885; DOI: 10.3760/cma.j.issn.1003-9406.2019.06.008), with a frequency of A=0.00001 (1/125568, TOPMED)(ExAC no frequency). This variant has been reported several times in ClinVar (Variation ID: 163480) with a well-established Pathogenic classification. The p.Arg627Cys substitution occurs in the cbEGF-like domain. In FBN1 gene missense affecting/creating cysteine residues is one of the criteria for pathogenic mutations (PMID: 20591885).

Ambry Genetics
Classification: Pathogenic for Familial thoracic aortic aneurysm and aortic dissection. Last evaluated: 2018-04-10. Review status: criteria provided, single submitter. Criteria: Ambry Variant Classification Scheme 2023. Collection method: clinical testing. Allele origin: germline.
Comment: The p.R627C pathogenic mutation (also known as c.1879C>T), located in coding exon 15 of the FBN1 gene, results from a C to T substitution at nucleotide position 1879. The arginine at codon 627 is replaced by cysteine, an amino acid with highly dissimilar properties, and is located in the cb EGF-like #06 domain. The majority of FBN1 mutations identified to date have involved the substitution or generation of cysteine residues within cbEGF domains (Vollbrandt T et al. J Biol Chem. 2004;279(31):32924-32931). This mutation has been detected in multiple unrelated patients with Marfan syndrome (MFS), MFS-related features, or ectopia lentis and was also reported to occur de novo in one individual with MFS (Hayward C et al. Hum Mol Genet. 1994;3(2):373-5; Halliday DJ et al. J Med Genet. 2002;39(8):589-93; Rommel K et al. Hum Mutat. 2005;26(6):529-39; Jin C et al. Mol Vis. 2007;13:1280-4; Waldm&uuml;ller S et al. Eur J Cardiothorac Surg. 2007;31(6):970-5; Stheneur C et al. Eur J Hum Genet. 2009;17(9):1121-8; Campens L et al. Orphanet J Rare Dis. 2015;10:9). This alteration segregated with disease in one family with MFS, although some carrier individuals appeared asymptomatic (Miyazawa H et al. Am J Hum Genet. 2007;80(6):1090-102). Based on the supporting evidence, this alteration is interpreted as a disease-causing mutation.

Laboratory for Molecular Medicine, Mass General Brigham Personalized Medicine
Classification: Pathogenic for Marfan syndrome. Last evaluated: 2014-10-30. Review status: criteria provided, single submitter. Criteria: LMM Criteria. Collection method: clinical testing. Allele origin: germline. Inheritance: Autosomal dominant inheritance. Observed: 1 variant allele.
Comment: The p.Arg627Cys variant in FBN1 has been reported in 1 individual with Ectopia L entis (Jin 2007) and 9 individuals with Marfan syndrome, including 1 individual in whom the variant occurred de novo. The variant segregated with Marfan syndrom e in 9 affected relatives from 4 families (Hayward 1994, Halliday 2002, Rommel 2 005, Waldmuller 2007, Miyazawa 2007, Stheneur 2009, Attanasio 2013). In one of t hese families, this variant was also observed in 3 asymptomatic individuals; how ever, they were not clinically evaluated for the study (Miyazawa 2007). The vari ant was absent from large population studies. In vitro functional studies provid e some evidence that this variant may impact protein function (Kirschner 2011). However, these types of assays may not accurately represent biological function. In summary, the p.Arg627Cys variant meets our criteria to be classified as path ogenic for Marfan syndrome in an autosomal dominant manner (. org/personalizedmedicine/LMM) based upon segregation studies, absence from contr ols, and functional evidence.

Center for Genomics, Ann and Robert H. Lurie Children's Hospital of Chicago
Classification: Pathogenic for Geleophysic dysplasia 2; Weill-Marchesani syndrome 2, dominant; Ectopia lentis 1, isolated, autosomal dominant; MASS syndrome; Progeroid and marfanoid aspect-lipodystrophy syndrome; Acromicric dysplasia; Marfan syndrome; Stiff skin syndrome. Review status: criteria provided, single submitter. Criteria: ACMG Guidelines, 2015. Collection method: clinical testing. Allele origin: germline.
Comment: FBN1 NM_000138.4 exon 15 p.Arg627Cys (c.1879C>T): This variant has been reported in the literature in at least 10 individuals with a diagnosis, clinical suspicion or primary feature of Marfan syndrome, one of whom was reported as a de novo (Hayward 1994 PMID:8004112, Halliday 2002 PMID:12161601, Rommel 2005 PMID:16220557, Jin 2007 PMID:17679947, Miyazawa 2007 PMID:17503327, Waldmuller 2007 PMID:17418587, Stheneur 2009 PMID:19293843, Attanasio 2013 PMID:23684891, Campens 2015 PMID:25644172). This variant segregated with disease in at least 6 affected family members (Rommel 2005 PMID:16220557, Miyazawa 2007 PMID:17503327). This variant is not present in large control databases but is present in Clinvar, with several labs classifying this variant as pathogenic or likely pathogenic (Variation ID:163480). Evolutionary conservation and computational predictive tools suggest that this variant may impact the protein. In vitro functional studies also support that this variant will impact the protein (Vollbrandt 2004 PMID:15161917, Kirschner 2011 PMID:21784848). Of note, this variant is predicted to affect a cysteine residue. Cysteine in the FBN1 gene is reported to have important functional relevance; variants that involve a cysteine residue are reported to be particularly significant (Dietz, PMID: 20301510). In summary, this variant is classified as pathogenic based on the data above (multiple probands, segregation studies, presence of a de novo, absence from controls and impact to protein).

Juno Genomics, Hangzhou Juno Genomics, Inc
Classification: Pathogenic for Marfan syndrome. Review status: criteria provided, single submitter. Criteria: ACMG Guidelines, 2015. Collection method: clinical testing. Allele origin: germline. Affected: yes.
Comment: Absent from controls (or at extremely low frequency if recessive) in Genome Aggregation Database, Exome Sequencing Project, 1000 Genomes Project, or Exome Aggregation Consortium.;Missense variant in a gene that has a low rate of benign missense variation and where missense variants are a common mechanism of disease.;Well-established in vitro or in vivo functional studies supportive of a damaging effect on the gene or gene product.;The prevalence of the variant in affected individuals is significantly increased compared to the prevalence in controls.;Co-segregation with disease in multiple affected family members in a gene definitively known to cause the disease.;Patient's phenotype or family history is highly specific for a disease with a single genetic etiology.;Assumed de novo, but without confirmation of paternity and maternity.

Center for Medical Genetics Ghent, University of Ghent
Classification: Likely pathogenic for Marfan syndrome. Last evaluated: 2017-11-07. Review status: no assertion criteria provided. Collection method: clinical testing. Allele origin: germline. Affected: yes. Not counted in ClinVar's aggregate classification.

Literature cited by the submitters: PubMed 8004112 (cited by 4 submitters); PubMed 12161601 (cited by 4 submitters); PubMed 16220557 (cited by 4 submitters); PubMed 17418587 (cited by 4 submitters); PubMed 17679947 (cited by 4 submitters); PubMed 23684891 (cited by 3 submitters); PubMed 25644172 (cited by Labcorp Genetics (formerly Invitae), Labcorp and Ambry Genetics); PubMed 15161917 (cited by 3 submitters); PubMed 21784848 (cited by 3 submitters); PubMed 9401003 (cited by Women's Health and Genetics/Laboratory Corporation of America, LabCorp); PubMed 9338581 (cited by Women's Health and Genetics/Laboratory Corporation of America, LabCorp); PubMed 12938084 (cited by Women's Health and Genetics/Laboratory Corporation of America, LabCorp); PubMed 15054843 (cited by Women's Health and Genetics/Laboratory Corporation of America, LabCorp); PubMed 16571647 (cited by Women's Health and Genetics/Laboratory Corporation of America, LabCorp); PubMed 8541880 (cited by Women's Health and Genetics/Laboratory Corporation of America, LabCorp); PubMed 11143906 (cited by Women's Health and Genetics/Laboratory Corporation of America, LabCorp); PubMed 8791520 (cited by Women's Health and Genetics/Laboratory Corporation of America, LabCorp); PubMed 16971892 (cited by Women's Health and Genetics/Laboratory Corporation of America, LabCorp); PubMed 18087243 (cited by Women's Health and Genetics/Laboratory Corporation of America, LabCorp); PubMed 17503327 (cited by 3 submitters); PubMed 18615205 (cited by Women's Health and Genetics/Laboratory Corporation of America, LabCorp); PubMed 11068200 (cited by Women's Health and Genetics/Laboratory Corporation of America, LabCorp); PubMed 9399842 (cited by Women's Health and Genetics/Laboratory Corporation of America, LabCorp); PubMed 19293843 (cited by 3 submitters); PubMed 24941995 (cited by Laboratory for Molecular Medicine, Mass General Brigham Personalized Medicine).